The following is an entry in ClinVar:

ClinVar aggregate classification (germline): Uncertain significance. Review status: criteria provided, multiple submitters, no conflicts (2 of 4 stars). 2 submissions from 2 submitters: Uncertain significance (2). Last evaluated 2021-04-19.

Conditions:
Hypertrophic cardiomyopathy. Also called: HYPERTROPHIC MYOCARDIOPATHY. Identifiers: Orphanet 217569, MedGen C0007194, MeSH D002312, MONDO:0005045, HP:0001639.
Cardiovascular phenotype. Identifiers: MedGen CN230736.

Submissions (2):

Ambry Genetics
Classification: Uncertain significance for Cardiovascular phenotype. Last evaluated: 2021-04-19. Review status: criteria provided, single submitter. Criteria: Ambry Variant Classification Scheme 2023. Collection method: clinical testing. Allele origin: germline.
Comment: The p.L714P variant (also known as c.2141T>C), located in coding exon 17 of the MYH7 gene, results from a T to C substitution at nucleotide position 2141. The leucine at codon 714 is replaced by proline, an amino acid with similar properties. This amino acid position is highly conserved in available vertebrate species. In addition, this alteration is predicted to be deleterious by in silico analysis. Since supporting evidence is limited at this time, the clinical significance of this alteration remains unclear.

Labcorp Genetics (formerly Invitae), Labcorp
Classification: Uncertain significance for Hypertrophic cardiomyopathy. Last evaluated: 2021-04-04. Review status: criteria provided, single submitter. Criteria: Invitae Variant Classification Sherloc (09022015). Collection method: clinical testing. Allele origin: germline.
Comment: In summary, the available evidence is currently insufficient to determine the role of this variant in disease. Therefore, it has been classified as a Variant of Uncertain Significance. This variant is found within a region of MYH7 between codons 181 and 937 that contains the majority of the myosin head domain. Missense variants in this region have been shown to be significantly overrepresented in individuals with hypertrophic cardiomyopathy (PMID: 27532257). Algorithms developed to predict the effect of missense changes on protein structure and function (SIFT, PolyPhen-2, Align-GVGD) all suggest that this variant is likely to be disruptive, but these predictions have not been confirmed by published functional studies and their clinical significance is uncertain. This variant has not been reported in the literature in individuals with MYH7-related conditions. This variant is not present in population databases (ExAC no frequency). This sequence change replaces leucine with proline at codon 714 of the MYH7 protein (p.Leu714Pro). The leucine residue is highly conserved and there is a moderate physicochemical difference between leucine and proline.

Literature cited by the submitters: PubMed 27532257 (cited by Labcorp Genetics (formerly Invitae), Labcorp).

NM_000257.4(MYH7):c.2141T>C (p.Leu714Pro)

Gene: MYH7 (myosin heavy chain 7; minus strand). Cytogenetic location: 14q11.2.
Variant type: single nucleotide variant.
Coding change: c.2141T>C on transcript NM_000257.4 (MANE Select); coding-DNA position 2141, T replaced by C.
Protein change: p.Leu714Pro; replaces leucine 714 with proline.
Molecular consequence: missense variant.
Genome position (GRCh38, 1-based): chr14:23,425,985, A>G on the plus strand (T>C on the coding strand, the complement: MYH7 is on the minus strand). VCF-style: chr14-23425985-A-G. GRCh37 (hg19) VCF-style: chr14-23895194-A-G.
Other names: short protein forms L714P.
Identifiers: ClinVar variation 1522968 (VCV001522968.10), dbSNP rs2138668786, ClinGen allele CA389049045.